The following is an entry in ClinVar:

ClinVar aggregate classification (germline): Likely pathogenic. Review status: criteria provided, single submitter (1 of 4 stars). 2 submissions from 2 submitters: Likely pathogenic (1). 1 of the submissions does not count toward it. Last evaluated 2020-10-28.

Conditions:
Intellectual developmental disorder, autosomal dominant 65. Also called: MENTAL RETARDATION, AUTOSOMAL DOMINANT 65. Identifiers: MedGen C5543371, MONDO:0023657, OMIM 619320.

gnomAD v4.1: 1 of 1,613,268 alleles (0.000062%); no homozygotes.

Submissions (2):

GeneDx
Classification: Likely pathogenic. Last evaluated: 2020-10-28. Review status: criteria provided, single submitter. Criteria: GeneDx Variant Classification (06012015). Collection method: clinical testing. Allele origin: germline. Affected: yes.
Comment: Not observed in large population cohorts (Lek et al., 2016). In silico analysis supports that this missense variant has a deleterious effect on protein structure/function. We interpret R222W as a likely pathogenic variant.

OMIM
Classification: Pathogenic for INTELLECTUAL DEVELOPMENTAL DISORDER, AUTOSOMAL DOMINANT 65. Last evaluated: 2021-05-18. Review status: no assertion criteria provided. Collection method: literature only. Allele origin: germline. Not counted in ClinVar's aggregate classification.

Literature cited by the submitters: PubMed 33232677 (cited by OMIM).

NM_015015.3(KDM4B):c.664C>T (p.Arg222Trp)

Gene: KDM4B (lysine demethylase 4B; plus strand). Cytogenetic location: 19p13.3.
Variant type: single nucleotide variant.
Coding change: c.664C>T on transcript NM_015015.3 (MANE Select); coding-DNA position 664, C replaced by T.
Protein change: p.Arg222Trp; replaces arginine 222 with tryptophan.
Molecular consequence: missense variant.
Genome position (GRCh38, 1-based): chr19:5,071,047, C>T. VCF-style: chr19-5071047-C-T. GRCh37 (hg19) VCF-style: chr19-5071058-C-T.
Other names: c.664C>T, p.Arg222Trp (NM_001370093.1, NM_001370094.1); short protein forms R222W.
Identifiers: ClinVar variation 983228 (VCV000983228.2), dbSNP rs151146933, ClinGen allele CA403493853.